The following is an entry in ClinVar:

NM_016038.4(SBDS):c.127G>T (p.Val43Leu)

Gene: SBDS (SBDS ribosome maturation factor; minus strand). Cytogenetic location: 7q11.21.
Variant type: single nucleotide variant.
Coding change: c.127G>T on transcript NM_016038.4 (MANE Select); coding-DNA position 127, G replaced by T.
Protein change: p.Val43Leu; replaces valine 43 with leucine.
Molecular consequence: missense variant.
Genome position (GRCh38, 1-based): chr7:66,995,291, C>A on the plus strand (G>T on the coding strand, the complement: SBDS is on the minus strand). VCF-style: chr7-66995291-C-A. GRCh37 (hg19) VCF-style: chr7-66460278-C-A.
Other names: c.127G>T (LRG_104t1); short protein forms V43L.
Identifiers: ClinVar variation 378498 (VCV000378498.18), dbSNP rs147652512, ClinGen allele CA4279254.

ClinVar aggregate classification (germline): Conflicting classifications of pathogenicity. Review status: criteria provided, conflicting classifications (1 of 4 stars). 5 submissions from 5 submitters: Uncertain significance (2); Likely benign (2). 1 of the submissions does not count toward it. Last evaluated 2025-07-03.

Allele frequency attached by ClinVar (database versions not stated): 1000 Genomes Project 30x 0.00016; gnomAD 0.00096; TOPMed 0.00100.
gnomAD v4.1: 2,289 of 1,613,556 alleles (0.14%); highest among the groups gnomAD compares: Non-Finnish European, 0.18%; 2 homozygotes.

Submissions (5):

GeneDx
Classification: Uncertain significance. Last evaluated: 2025-07-03. Review status: criteria provided, single submitter. Criteria: GeneDx Variant Classification Process June 2021. Collection method: clinical testing. Allele origin: germline. Affected: yes.
Comment: Observed with a pathogenic variant on the opposite allele (in trans) in a patient with Diamond-Blackfan anemia in published literature (PMID: 26136524, 31839986); Observed in the heterozygous state with no second SBDS variant in patients with refractory cytopenia or suspected Shwachman-Diamond syndrome (PMID: 19951977, 34151701, Thomassen JC et al., 2016); In silico analysis suggests that this missense variant does not alter protein structure/function; This variant is associated with the following publications: (PMID: 26136524, 31839986, 34151701, 36835434, 19951977, Thomassen2016[CaseReport], 40249815)

Blueprint Genetics
Classification: Likely benign. Last evaluated: 2024-11-21. Review status: criteria provided, single submitter. Criteria: ACMG Guidelines, 2015. Collection method: clinical testing. Allele origin: germline.

Mayo Clinic Laboratories, Mayo Clinic
Classification: Uncertain significance. Last evaluated: 2021-03-19. Review status: criteria provided, single submitter. Criteria: ACMG Guidelines, 2015. Collection method: clinical testing. Allele origin: germline. Observed: 3 variant alleles.

Genetic Services Laboratory, University of Chicago
Classification: Likely benign. Last evaluated: 2020-08-09. Review status: criteria provided, single submitter. Criteria: ACMG Guidelines, 2015. Collection method: clinical testing. Allele origin: germline. Affected: no.

Department of Pathology and Laboratory Medicine, Sinai Health System
Classification: Uncertain significance. Review status: no assertion criteria provided. Collection method: clinical testing. Allele origin: unknown. Affected: yes. Study: The Canadian Open Genetics Repository (COGR). Not counted in ClinVar's aggregate classification.
Comment: The SBDS p.Val43Leu variant was identified in 1 of 240 proband chromosomes (frequency: 0.0042) from individuals with primary hypocellular refractory cytopenia (Karow_2010_PMID:19951977). The variant was identified in dbSNP (ID: rs147652512) LOVD 3.0 and ClinVar (classified as likely benign by GeneDx). The variant was identified in control databases in 302 of 268098 chromosomes (1 homozygous) at a frequency of 0.001126 increasing the likelihood this could be a low frequency benign variant (Genome Aggregation Database March 6, 2019, v2.1.1). The variant was observed in the following populations: European (non-Finnish) in 254 of 118020 chromosomes (freq: 0.002152), Other in 8 of 6704 chromosomes (freq: 0.001193), European (Finnish) in 16 of 25094 chromosomes (freq: 0.000638), Latino in 15 of 35098 chromosomes (freq: 0.000427), African in 4 of 23554 chromosomes (freq: 0.00017), East Asian in 3 of 19246 chromosomes (freq: 0.000156) and South Asian in 2 of 30526 chromosomes (freq: 0.000066), but was not observed in the Ashkenazi Jewish population. The p.Val43 residue is not conserved in mammals and four out of five computational analyses (PolyPhen-2, SIFT, AlignGVGD, BLOSUM, MutationTaster) do not suggest a high likelihood of impact to the protein; however, this information is not predictive enough to rule out pathogenicity. The p.Val43Leu variant occurs in the second last base of the exon; this position has been shown to be part of the splicing consensus sequence and variants involving this position sometimes affect splicing. However, three of four in silico or computational prediction software programs (SpliceSiteFinder, MaxEntScan, NNSPLICE, GeneSplicer) do not predict a greater than 10% difference in splicing. Further, transcriptional studies did not reveal an effect on splicing due to this variant (Karow_2010_PMID:19951977). In summary, based on the above information the clinical significance of this variant cannot be determined with certainty at this time. This variant is classified as a variant of uncertain significance.